The following is an entry in ClinVar:

ClinVar aggregate classification (germline): Conflicting classifications of pathogenicity. Review status: criteria provided, conflicting classifications (1 of 4 stars). 2 submissions from 2 submitters: Uncertain significance (1); Likely benign (1). Last evaluated 2025-08-07.

Conditions:
EGFR-related lung cancer (EGFR). Identifiers: MedGen CN130014.
Hereditary cancer-predisposing syndrome. Also called: Hereditary Cancer Syndrome; Tumor predisposition; Hereditary neoplastic syndrome; Neoplastic Syndromes, Hereditary. Identifiers: Orphanet 140162, MedGen C0027672, MeSH D009386, MONDO:0015356.

Allele frequency attached by ClinVar (database versions not stated): gnomAD 0.00001; gnomAD exomes 0.00001; TOPMed 0.00001.
gnomAD v4.1: 4 of 1,614,102 alleles (0.00025%); highest among the groups gnomAD compares: South Asian, 0.0022%; no homozygotes.

Submissions (2):

Labcorp Genetics (formerly Invitae), Labcorp
Classification: Uncertain significance for EGFR-related lung cancer. Last evaluated: 2025-08-07. Review status: criteria provided, single submitter. Criteria: Invitae Variant Classification Sherloc (09022015). Collection method: clinical testing. Allele origin: germline.
Comment: This sequence change replaces asparagine, which is neutral and polar, with serine, which is neutral and polar, at codon 604 of the EGFR protein (p.Asn604Ser). This variant is not present in population databases (gnomAD no frequency). This variant has not been reported in the literature in individuals affected with EGFR-related conditions. ClinVar contains an entry for this variant (Variation ID: 1057763). Invitae Evidence Modeling of protein sequence and biophysical properties (such as structural, functional, and spatial information, amino acid conservation, physicochemical variation, residue mobility, and thermodynamic stability) indicates that this missense variant is not expected to disrupt EGFR protein function with a negative predictive value of 80%. In summary, the available evidence is currently insufficient to determine the role of this variant in disease. Therefore, it has been classified as a Variant of Uncertain Significance.

Ambry Genetics
Classification: Likely benign for Hereditary cancer-predisposing syndrome. Last evaluated: 2025-06-17. Review status: criteria provided, single submitter. Criteria: Ambry Variant Classification Scheme 2023. Collection method: clinical testing. Allele origin: germline.

NM_005228.5(EGFR):c.1811A>G (p.Asn604Ser)

Gene: EGFR (epidermal growth factor receptor; plus strand). Cytogenetic location: 7p11.2.
Variant type: single nucleotide variant.
Coding change: c.1811A>G on transcript NM_005228.5 (MANE Select); coding-DNA position 1811, A replaced by G.
Protein change: p.Asn604Ser; replaces asparagine 604 with serine.
Molecular consequence: missense variant.
Genome position (GRCh38, 1-based): chr7:55,165,368, A>G. VCF-style: chr7-55165368-A-G. GRCh37 (hg19) VCF-style: chr7-55233061-A-G.
Other names: c.1676A>G, p.Asn559Ser (NM_001346897.2, NM_001346899.2); c.1811A>G, p.Asn604Ser (NM_001346898.2, NM_201282.2, NM_201284.2); c.1652A>G, p.Asn551Ser (NM_001346900.2); c.1010A>G, p.Asn337Ser (NM_001346941.2); c.1811A>G (NM_005228.3); short protein forms N337S, N551S, N559S, N604S.
Identifiers: ClinVar variation 1057763 (VCV001057763.10), dbSNP rs913231421, ClinGen allele CA158925113.